The following is an entry in ClinVar:

ClinVar aggregate classification (germline): Likely benign. Review status: criteria provided, multiple submitters, no conflicts (2 of 4 stars). 5 submissions from 5 submitters: Likely benign (4). 1 of the submissions does not count toward it. Last evaluated 2025-10-23.

Conditions:
Atrioventricular septal defect 4 (AVSD4). Identifiers: MedGen C3280781, MONDO:0013747, OMIM 614430.
Cardiovascular phenotype. Identifiers: MedGen CN230736.
GATA4-related disorder. Also called: GATA4-related condition. Identifiers: MedGen CN860321.

Allele frequency attached by ClinVar (database versions not stated): gnomAD exomes 0.00006; ExAC 0.00007; ESP Exome Variant Server 0.00008; 1000 Genomes Project 0.00020; 1000 Genomes Project 30x 0.00031; gnomAD 0.00002 and 0.00004; TOPMed 0.00003.
gnomAD v4.1: 99 of 1,612,732 alleles (0.0061%); highest among the groups gnomAD compares: Middle Eastern, 0.082%; no homozygotes.

Submissions (5):

Labcorp Genetics (formerly Invitae), Labcorp
Classification: Likely benign for Atrioventricular septal defect 4. Last evaluated: 2025-10-23. Review status: criteria provided, single submitter. Criteria: Invitae Variant Classification Sherloc (09022015). Collection method: clinical testing. Allele origin: germline.

Blueprint Genetics
Classification: Likely benign. Last evaluated: 2024-10-23. Review status: criteria provided, single submitter. Criteria: ACMG Guidelines, 2015. Collection method: clinical testing. Allele origin: germline.

Ambry Genetics
Classification: Likely benign for Cardiovascular phenotype. Last evaluated: 2023-09-20. Review status: criteria provided, single submitter. Criteria: Ambry Variant Classification Scheme 2023. Collection method: clinical testing. Allele origin: germline.

GeneDx
Classification: Likely benign. Last evaluated: 2019-12-16. Review status: criteria provided, single submitter. Criteria: GeneDx Variant Classification Process June 2021. Collection method: clinical testing. Allele origin: germline. Affected: yes.
Comment: See Variant Classification Assertion Criteria.

PreventionGenetics, part of Exact Sciences
Classification: Likely benign for GATA4-related condition. Last evaluated: 2020-11-10. Review status: no assertion criteria provided. Collection method: clinical testing. Allele origin: germline. Not counted in ClinVar's aggregate classification.
Comment: This variant is classified as likely benign based on ACMG/AMP sequence variant interpretation guidelines (Richards et al. 2015 PMID: 25741868, with internal and published modifications).

NM_001308093.3(GATA4):c.909C>T (p.His303=)

Gene: GATA4 (GATA binding protein 4). Cytogenetic location: 8p23.1.
Variant type: single nucleotide variant.
Coding change: c.909C>T on transcript NM_001308093.3 (MANE Select); coding-DNA position 909, C replaced by T.
Protein change: p.His303=; no amino-acid change (histidine 303 retained).
Molecular consequence: synonymous variant. On other transcripts: intron variant (1).
Genome position (GRCh38, 1-based): chr8:11,750,233, C>T. VCF-style: chr8-11750233-C-T. GRCh37 (hg19) VCF-style: chr8-11607742-C-T.
Other names: c.906C>T (NM_002052.4); c.288C>T, p.His96= (NM_001308094.2, NM_001374273.1); c.906C>T, p.His302= (NM_002052.5); c.165+1148C>T (NM_001374274.1).
Identifiers: ClinVar variation 700648 (VCV000700648.15), dbSNP rs201516339, ClinGen allele CA4630729.